The following is an entry in ClinVar:

NM_000321.3(RB1):c.1448A>T (p.His483Leu)

Gene: RB1 (RB transcriptional corepressor 1; plus strand). Cytogenetic location: 13q14.2.
Variant type: single nucleotide variant.
Coding change: c.1448A>T on transcript NM_000321.3 (MANE Select); coding-DNA position 1448, A replaced by T.
Protein change: p.His483Leu; replaces histidine 483 with leucine.
Molecular consequence: missense variant.
Genome position (GRCh38, 1-based): chr13:48,380,191, A>T. VCF-style: chr13-48380191-A-T. GRCh37 (hg19) VCF-style: chr13-48954327-A-T.
Other names: short protein forms H483L.
Identifiers: ClinVar variation 1351708 (VCV001351708.6), dbSNP rs1948522736, ClinGen allele CA388162820.

ClinVar aggregate classification (germline): Uncertain significance (1 of 4 stars; one submission).

Conditions:
Retinoblastoma (RB1). Also called: RETINOBLASTOMA, SOMATIC. Identifiers: Orphanet 790, MedGen C0035335, MeSH D012175, MONDO:0008380, OMIM 180200, HP:0009919. Disease mechanism: loss of function. Inheritance: Both sporadic and heritable forms are tested..

Allele frequency attached by ClinVar (database versions not stated): gnomAD exomes below 0.00001.

Submission:

Labcorp Genetics (formerly Invitae), Labcorp
Classification: Uncertain significance for Retinoblastoma. Last evaluated: 2021-10-04. Review status: criteria provided, single submitter. Criteria: Invitae Variant Classification Sherloc (09022015). Collection method: clinical testing. Allele origin: germline.
Comment: This variant is not present in population databases (ExAC no frequency). In summary, the available evidence is currently insufficient to determine the role of this variant in disease. Therefore, it has been classified as a Variant of Uncertain Significance. This variant disrupts the p.His483 amino acid residue in RB1. Other variant(s) that disrupt this residue have been observed in individuals with RB1-related conditions (PMID: 11480772, 21538077, 28193182), which suggests that this may be a clinically significant amino acid residue. Algorithms developed to predict the effect of missense changes on protein structure and function (SIFT, PolyPhen-2, Align-GVGD) all suggest that this variant is likely to be disruptive. This missense change has been observed in individual(s) with head and neck cancer (PMID: 24888624). This sequence change replaces histidine with leucine at codon 483 of the RB1 protein (p.His483Leu). The histidine residue is highly conserved and there is a moderate physicochemical difference between histidine and leucine.

Literature cited by the submitters: PubMed 11480772; PubMed 21538077; PubMed 28193182; PubMed 24888624.